The following is an entry in ClinVar:

NM_004398.4(DDX10):c.2514A>G (p.Pro838=)

Gene: DDX10 (DEAD-box helicase 10; plus strand). Cytogenetic location: 11q22.3.
Variant type: single nucleotide variant.
Coding change: c.2514A>G on transcript NM_004398.4 (MANE Select); coding-DNA position 2514, A replaced by G.
Protein change: p.Pro838=; no amino-acid change (proline 838 retained).
Molecular consequence: synonymous variant.
Genome position (GRCh38, 1-based): chr11:108,940,309, A>G. VCF-style: chr11-108940309-A-G. GRCh37 (hg19) VCF-style: chr11-108811036-A-G.
Identifiers: ClinVar variation 3045017 (VCV003045017.2), dbSNP rs61751527, ClinGen allele CA6269225.

ClinVar aggregate classification (germline): Benign (0 of 4 stars; one submission).

Conditions:
DDX10-related disorder. Also called: DDX10-related condition.

Allele frequency attached by ClinVar (database versions not stated): TOPMed 0.00101; 1000 Genomes Project 30x 0.00141; ESP Exome Variant Server 0.00154; 1000 Genomes Project 0.00180; gnomAD exomes 0.00279; gnomAD 0.00454; ExAC 0.00505.
gnomAD v4.1: 4,723 of 1,614,066 alleles (0.29%); highest among the groups gnomAD compares: Non-Finnish European, 0.15%; 62 homozygotes.

Submission:

PreventionGenetics, part of Exact Sciences
Classification: Benign for DDX10-related condition. Last evaluated: 2019-02-19. Review status: no assertion criteria provided. Collection method: clinical testing. Allele origin: germline.
Comment: This variant is classified as benign based on ACMG/AMP sequence variant interpretation guidelines (Richards et al. 2015 PMID: 25741868, with internal and published modifications).